The following is an entry in ClinVar:

ClinVar aggregate classification (germline): Uncertain significance (1 of 4 stars; one submission).

Conditions:
Rhabdoid tumor predisposition syndrome 2 (RTPS2). Identifiers: Orphanet 231108, Orphanet 69077, MedGen C2750074, MONDO:0013224, OMIM 613325.

Submission:

Labcorp Genetics (formerly Invitae), Labcorp
Classification: Uncertain significance for Rhabdoid tumor predisposition syndrome 2. Last evaluated: 2023-10-04. Review status: criteria provided, single submitter. Criteria: Invitae Variant Classification Sherloc (09022015). Collection method: clinical testing. Allele origin: germline.
Comment: This sequence change replaces methionine, which is neutral and non-polar, with arginine, which is basic and polar, at codon 106 of the SMARCA4 protein (p.Met106Arg). This variant is not present in population databases (gnomAD no frequency). This variant has not been reported in the literature in individuals affected with SMARCA4-related conditions. Advanced modeling of protein sequence and biophysical properties (such as structural, functional, and spatial information, amino acid conservation, physicochemical variation, residue mobility, and thermodynamic stability) has been performed at Invitae for this missense variant, however the output from this modeling did not meet the statistical confidence thresholds required to predict the impact of this variant on SMARCA4 protein function. In summary, the available evidence is currently insufficient to determine the role of this variant in disease. Therefore, it has been classified as a Variant of Uncertain Significance.

NM_003072.5(SMARCA4):c.317T>G (p.Met106Arg)

Gene: SMARCA4 (SWI/SNF related BAF chromatin remodeling complex subunit ATPase 4; plus strand). Cytogenetic location: 19p13.2.
Variant type: single nucleotide variant.
Coding change: c.317T>G on transcript NM_003072.5 (MANE Select); coding-DNA position 317, T replaced by G.
Protein change: p.Met106Arg; replaces methionine 106 with arginine.
Molecular consequence: missense variant. On other transcripts: non-coding transcript variant (1).
Genome position (GRCh38, 1-based): chr19:10,985,367, T>G. VCF-style: chr19-10985367-T-G. GRCh37 (hg19) VCF-style: chr19-11096043-T-G.
Other names: c.317T>G, p.Met106Arg (NM_001128844.3, NM_001128845.2, NM_001128846.2 and 6 more transcripts); short protein forms M106R.
Identifiers: ClinVar variation 2764955 (VCV002764955.3), dbSNP rs1599941765, ClinGen allele CA404055279.
Genomic context (GRCh38, chr19:10,985,367, plus strand): 5'-ACGACCCGCGCTACAACCAGATGAAAGGAATGGGGATGCGGTCAGGGGGCCATGCTGGGA[T>G]GGGGCCCCCGCCCAGCCCCATGGACCAGCACTCCCAAGGTACAGAACTGCGTTCCTTCCT-3'
Protein context (NP_003063.2, residues 96-116): MGMRSGGHAG[Met106Arg]GPPPSPMDQH